The following is an entry in ClinVar:

ClinVar aggregate classification (germline): Uncertain significance. Review status: criteria provided, multiple submitters, no conflicts (2 of 4 stars). 2 submissions from 2 submitters: Uncertain significance (2). Last evaluated 2026-04-13.

Conditions:
MESD-related disorder. Also called: MESD-related condition.

Allele frequency attached by ClinVar (database versions not stated): TOPMed 0.00004; gnomAD 0.00005.
gnomAD v4.1: 51 of 1,613,912 alleles (0.0032%); highest among the groups gnomAD compares: African/African-American, 0.0067%; no homozygotes.

Submissions (2):

PreventionGenetics, part of Exact Sciences
Classification: Uncertain significance for MESD-related condition. Last evaluated: 2026-04-13. Review status: criteria provided, single submitter. Criteria: ACMG Guidelines, 2015. Collection method: clinical testing. Allele origin: germline.
Comment: The MESD c.274G>A variant is predicted to result in the amino acid substitution p.Asp92Asn. To our knowledge, this variant has not been reported in the literature. This variant is reported in 0.0040% of alleles in individuals of African descent in gnomAD. At this time, the clinical significance of this variant is uncertain due to the absence of conclusive functional and genetic evidence.

Labcorp Genetics (formerly Invitae), Labcorp
Classification: Uncertain significance. Last evaluated: 2025-10-03. Review status: criteria provided, single submitter. Criteria: Invitae Variant Classification Sherloc (09022015). Collection method: clinical testing. Allele origin: germline.
Comment: This sequence change replaces aspartic acid, which is acidic and polar, with asparagine, which is neutral and polar, at codon 92 of the MESDC2 protein (p.Asp92Asn). This variant is present in population databases (no rsID available, gnomAD 0.004%). This variant has not been reported in the literature in individuals affected with MESDC2-related conditions. ClinVar contains an entry for this variant (Variation ID: 2869635). An algorithm developed to predict the effect of missense changes on protein structure and function (PolyPhen-2) suggests that this variant is likely to be disruptive. In summary, the available evidence is currently insufficient to determine the role of this variant in disease. Therefore, it has been classified as a Variant of Uncertain Significance.

NM_015154.3(MESD):c.274G>A (p.Asp92Asn)

Gene: MESD (mesoderm development LRP chaperone; minus strand). Cytogenetic location: 15q25.1.
Variant type: single nucleotide variant.
Coding change: c.274G>A on transcript NM_015154.3 (MANE Select); coding-DNA position 274, G replaced by A.
Protein change: p.Asp92Asn; replaces aspartic acid 92 with asparagine.
Molecular consequence: missense variant. On other transcripts: non-coding transcript variant (1).
Genome position (GRCh38, 1-based): chr15:80,982,122, C>T on the plus strand (G>A on the coding strand, the complement: MESD is on the minus strand). VCF-style: chr15-80982122-C-T. GRCh37 (hg19) VCF-style: chr15-81274463-C-T.
Other names: c.274G>A (NM_015154.2); short protein forms D92N.
Identifiers: ClinVar variation 2869635 (VCV002869635.4), dbSNP rs1221874594, ClinGen allele CA393254573.